The following is an entry in ClinVar:

NM_001378964.1(CDON):c.1404G>C (p.Leu468Phe)

Gene: CDON (cell adhesion associated, oncogene regulated; minus strand). Cytogenetic location: 11q24.2.
Variant type: single nucleotide variant.
Coding change: c.1404G>C on transcript NM_001378964.1 (MANE Select); coding-DNA position 1404, G replaced by C.
Protein change: p.Leu468Phe; replaces leucine 468 with phenylalanine.
Molecular consequence: missense variant.
Genome position (GRCh38, 1-based): chr11:126,010,489, C>G on the plus strand (G>C on the coding strand, the complement: CDON is on the minus strand). VCF-style: chr11-126010489-C-G. GRCh37 (hg19) VCF-style: chr11-125880384-C-G.
Other names: c.1404G>C, p.Leu468Phe (NM_001243597.3, NM_016952.6); short protein forms L468F.
Identifiers: ClinVar variation 3370099 (VCV003370099.1).

ClinVar aggregate classification (germline): Uncertain significance (1 of 4 stars; one submission).

Submission:

GeneDx
Classification: Uncertain significance. Last evaluated: 2024-01-13. Review status: criteria provided, single submitter. Criteria: GeneDx Variant Classification Process June 2021. Collection method: clinical testing. Allele origin: germline. Affected: yes.
Comment: Not observed at significant frequency in large population cohorts (gnomAD); In silico analysis supports that this missense variant does not alter protein structure/function; Has not been previously published as pathogenic or benign to our knowledge